The following is an entry in ClinVar:

NM_020884.7(MYH7B):c.4833_4834del (p.Glu1611fs)

Gene: MYH7B (myosin heavy chain 7B; plus strand). Cytogenetic location: 20q11.22.
Variant type: Microsatellite.
Coding change: c.4833_4834del on transcript NM_020884.7 (MANE Select); coding-DNA positions 4833 to 4834, 2 bases deleted (GA; older notation c.4833_4834delGA).
Protein change: p.Glu1611fs; shifts the reading frame from glutamic acid 1611.
Molecular consequence: frameshift variant.
Genome position (GRCh38, 1-based): chr20:35,000,344-35,000,345, GA deleted; deleting any 2 consecutive bases within chr20:35,000,341-35,000,345 gives the same sequence; the c. name uses the placement nearest the transcript's 3' end. VCF-style (leftmost placement, unchanged base first): chr20-35000340-CAG-C. GRCh37 (hg19) VCF-style: chr20-33588143-CAG-C.
Other names: short protein forms E1611fs.
Identifiers: ClinVar variation 2629051 (VCV002629051.1), dbSNP rs2519237022, ClinGen allele CA2652590582.
Genomic context (GRCh38, chr20:35,000,340, plus strand): 5'-CCTCCTCCCATAGGCGCAACCACCAGCGAGCTGTGGAGTCCCTGCAGGCCTCCCTGGATG[CAG>C]AGACACGGGCCCGCAATGAGGCGCTGCGGCTCAAGAAGAAGATGGAGGGTGACCTCAACG-3'

ClinVar aggregate classification (germline): Uncertain significance (1 of 4 stars; one submission).

Conditions:
MYH7B-related disorder. Also called: MYH7B-related condition.

Submission:

PreventionGenetics, part of Exact Sciences
Classification: Uncertain significance for MYH7B-related condition. Last evaluated: 2023-02-05. Review status: criteria provided, single submitter. Criteria: ACMG Guidelines, 2015. Collection method: clinical testing. Allele origin: germline.
Comment: The MYH7B c.4959_4960delGA variant is predicted to result in a frameshift and premature protein termination (p.Glu1653Aspfs*6). To our knowledge, this variant has not been reported in the literature or in a large population database, indicating this variant is rare. Of note, a small number of early termination variants have also been documented in the literature, but there is insufficient evidence to establish loss of function as a mechanism of disease. At this time, the clinical significance of this variant is uncertain due to the absence of conclusive functional and genetic evidence.